The following is an entry in ClinVar:

NM_212482.4(FN1):c.2237C>T (p.Thr746Ile)

Gene: FN1 (fibronectin 1; minus strand). Cytogenetic location: 2q35.
Variant type: single nucleotide variant.
Coding change: c.2237C>T on transcript NM_212482.4 (MANE Select); coding-DNA position 2237, C replaced by T.
Protein change: p.Thr746Ile; replaces threonine 746 with isoleucine.
Molecular consequence: missense variant.
Genome position (GRCh38, 1-based): chr2:215,409,625, G>A on the plus strand (C>T on the coding strand, the complement: FN1 is on the minus strand). VCF-style: chr2-215409625-G-A. GRCh37 (hg19) VCF-style: chr2-216274348-G-A.
Other names: c.2237C>T, p.Thr746Ile (NM_001306129.2, NM_001306130.2, NM_001306131.2 and 13 more transcripts); short protein forms T746I.
Identifiers: ClinVar variation 646874 (VCV000646874.7), dbSNP rs1575641213, ClinGen allele CA350491576.

ClinVar aggregate classification (germline): Uncertain significance (1 of 4 stars; one submission).

Allele frequency attached by ClinVar (database versions not stated): gnomAD exomes below 0.00001.
gnomAD v4.1: 3 of 1,614,034 alleles (0.00019%); highest among the groups gnomAD compares: Non-Finnish European, 0.00025%; no homozygotes.

Submission:

Labcorp Genetics (formerly Invitae), Labcorp
Classification: Uncertain significance. Last evaluated: 2018-12-15. Review status: criteria provided, single submitter. Criteria: Invitae Variant Classification Sherloc (09022015). Collection method: clinical testing. Allele origin: germline.
Comment: In summary, the available evidence is currently insufficient to determine the role of this variant in disease. Therefore, it has been classified as a Variant of Uncertain Significance. Algorithms developed to predict the effect of missense changes on protein structure and function are either unavailable or do not agree on the potential impact of this missense change (SIFT: "Tolerated"; PolyPhen-2: "Possibly Damaging"; Align-GVGD: "Class C0"). This variant has not been reported in the literature in individuals with FN1-related conditions. This variant is not present in population databases (ExAC no frequency). This sequence change replaces threonine with isoleucine at codon 746 of the FN1 protein (p.Thr746Ile). The threonine residue is highly conserved and there is a moderate physicochemical difference between threonine and isoleucine.